The following is an entry in ClinVar:

ClinVar aggregate classification (germline): Likely benign. Review status: criteria provided, multiple submitters, no conflicts (2 of 4 stars). 2 submissions from 2 submitters: Likely benign (2). Last evaluated 2018-06-14.

Allele frequency attached by ClinVar (database versions not stated): 1000 Genomes Project 0.00919; TOPMed 0.01050; gnomAD 0.01055 and 0.01080.
gnomAD v4.1: 2,433 of 1,146,660 alleles (0.21%); highest among the groups gnomAD compares: African/African-American, 3.7%; 56 homozygotes.

Submissions (2):

GeneDx
Classification: Likely benign. Last evaluated: 2018-06-14. Review status: criteria provided, single submitter. Criteria: GeneDx Variant Classification (06012015). Collection method: clinical testing. Allele origin: germline. Affected: yes.
Comment: This variant is considered likely benign or benign based on one or more of the following criteria: it is a conservative change, it occurs at a poorly conserved position in the protein, it is predicted to be benign by multiple in silico algorithms, and/or has population frequency not consistent with disease.

Breakthrough Genomics
Classification: Likely benign. Review status: criteria provided, single submitter. Criteria: ACMG Guidelines, 2015. Collection method: not provided. Allele origin: germline. Inheritance: Autosomal dominant inheritance. Affected: yes.

NM_001347721.2(DYRK1A):c.924+80C>T

Gene: DYRK1A (dual specificity tyrosine phosphorylation regulated kinase 1A; plus strand). Cytogenetic location: 21q22.13.
Variant type: single nucleotide variant.
Coding change: c.924+80C>T on transcript NM_001347721.2 (MANE Select); 80 bases into the intron after coding-DNA position 924, C replaced by T.
Molecular consequence: intron variant.
Genome position (GRCh38, 1-based): chr21:37,490,541, C>T. VCF-style: chr21-37490541-C-T. GRCh37 (hg19) VCF-style: chr21-38862843-C-T.
Other names: c.951+80C>T (NM_001396.5, NM_101395.2, NM_130438.2); c.924+80C>T (NM_001347722.2, NM_130436.2); c.837+80C>T (NM_001347723.2).
Identifiers: ClinVar variation 679363 (VCV000679363.2), dbSNP rs75710305, ClinGen allele CA320453528.